The following is an entry in ClinVar:

ClinVar aggregate classification (germline): Uncertain significance (1 of 4 stars; one submission).

Conditions:
HNRNPU-related disorder. Also called: HNRNPU-related condition.

Submission:

PreventionGenetics, part of Exact Sciences
Classification: Uncertain significance for HNRNPU-related condition. Last evaluated: 2025-08-09. Review status: criteria provided, single submitter. Criteria: ACMG Guidelines, 2015. Collection method: clinical testing. Allele origin: germline.
Comment: The HNRNPU c.710A>G variant is predicted to result in the amino acid substitution p.Gln237Arg. To our knowledge, this variant has not been reported in the literature or in a large population database (gnomAD), indicating this variant is rare. At this time, the clinical significance of this variant is uncertain due to the absence of conclusive functional and genetic evidence.

NM_031844.3(HNRNPU):c.710A>G (p.Gln237Arg)

Gene: HNRNPU (heterogeneous nuclear ribonucleoprotein U; minus strand). Cytogenetic location: 1q44.
Variant type: single nucleotide variant.
Coding change: c.710A>G on transcript NM_031844.3 (MANE Select); coding-DNA position 710, A replaced by G.
Protein change: p.Gln237Arg; replaces glutamine 237 with arginine.
Molecular consequence: missense variant.
Genome position (GRCh38, 1-based): chr1:244,862,712, T>C on the plus strand (A>G on the coding strand, the complement: HNRNPU is on the minus strand). VCF-style: chr1-244862712-T-C. GRCh37 (hg19) VCF-style: chr1-245026014-T-C.
Other names: c.653A>G, p.Gln218Arg (NM_004501.3); short protein forms Q237R, Q218R.
Identifiers: ClinVar variation 5002421 (VCV005002421.1).